The following is an entry in ClinVar:

NM_001048174.2(MUTYH):c.1211C>G (p.Pro404Arg)

Gene: MUTYH (mutY DNA glycosylase; minus strand). Cytogenetic location: 1p34.1.
Variant type: single nucleotide variant.
Coding change: c.1211C>G on transcript NM_001048174.2 (MANE Select); coding-DNA position 1211, C replaced by G.
Protein change: p.Pro404Arg; replaces proline 404 with arginine.
Molecular consequence: missense variant. On other transcripts: non-coding transcript variant (7).
Genome position (GRCh38, 1-based): chr1:45,331,448, G>C on the plus strand (C>G on the coding strand, the complement: MUTYH is on the minus strand). VCF-style: chr1-45331448-G-C. GRCh37 (hg19) VCF-style: chr1-45797120-G-C.
Other names: c.1211C>G, p.Pro404Arg (NM_001048171.2, NM_001048173.2, NM_001407070.1 and 6 more transcripts); c.1214C>G, p.Pro405Arg (NM_001048172.2, NM_001407071.1, NM_001407078.1 and 1 more transcripts); c.1127C>G, p.Pro376Arg (NM_001407075.1); c.1244C>G, p.Pro415Arg (NM_001407077.1, NM_001293191.2, NM_001407069.1); c.1172C>G, p.Pro391Arg (NM_001407079.1); c.1169C>G, p.Pro390Arg (NM_001407080.1); c.1295C>G, p.Pro432Arg (NM_001128425.2); c.1256C>G, p.Pro419Arg (NM_001293190.2); and 5 more; short protein forms P376R, P391R, P411R, P419R, P289R, P312R, P405R, P418R.
Identifiers: ClinVar variation 4113157 (VCV004113157.1).

ClinVar aggregate classification (germline): Uncertain significance (1 of 4 stars; one submission).

Conditions:
Hereditary cancer-predisposing syndrome. Also called: Tumor predisposition; Neoplastic Syndromes, Hereditary; Hereditary neoplastic syndrome; Hereditary Cancer Syndrome. Identifiers: Orphanet 140162, MedGen C0027672, MeSH D009386, MONDO:0015356.

Submission:

Ambry Genetics
Classification: Uncertain significance for Hereditary cancer-predisposing syndrome. Last evaluated: 2025-08-27. Review status: criteria provided, single submitter. Criteria: Ambry Variant Classification Scheme 2023. Collection method: clinical testing. Allele origin: germline.
Comment: The p.P432R variant (also known as c.1295C>G), located in coding exon 13 of the MUTYH gene, results from a C to G substitution at nucleotide position 1295. The proline at codon 432 is replaced by arginine, an amino acid with dissimilar properties. This amino acid position is conserved. In addition, the in silico prediction for this alteration is inconclusive. Based on the available evidence, the clinical significance of this variant remains unclear.